The following is an entry in ClinVar:

ClinVar aggregate classification (germline): Uncertain significance. Review status: criteria provided, multiple submitters, no conflicts (2 of 4 stars). 2 submissions from 2 submitters: Uncertain significance (2). Last evaluated 2026-08-19.

Conditions:
Juvenile polyposis syndrome (JPS). Identifiers: Orphanet 2929, MedGen C0345893, MONDO:0017380, OMIM 174900.
Hereditary cancer-predisposing syndrome. Also called: Hereditary neoplastic syndrome; Neoplastic Syndromes, Hereditary; Tumor predisposition; Hereditary Cancer Syndrome. Identifiers: Orphanet 140162, MedGen C0027672, MeSH D009386, MONDO:0015356.

Submissions (2):

Ambry Genetics
Classification: Uncertain significance for Hereditary cancer-predisposing syndrome. Last evaluated: 2026-08-19. Review status: criteria provided, single submitter. Criteria: Ambry Variant Classification Scheme 2023. Collection method: clinical testing. Allele origin: germline.
Comment: The p.T404P variant (also known as c.1210A>C), located in coding exon 9 of the BMPR1A gene, results from an A to C substitution at nucleotide position 1210. The threonine at codon 404 is replaced by proline, an amino acid with highly similar properties. This amino acid position is highly conserved in available vertebrate species. In addition, this alteration is predicted to be deleterious by in silico analysis. Based on the available evidence, the clinical significance of this variant remains unclear.

Labcorp Genetics (formerly Invitae), Labcorp
Classification: Uncertain significance for Juvenile polyposis syndrome. Last evaluated: 2022-06-26. Review status: criteria provided, single submitter. Criteria: Invitae Variant Classification Sherloc (09022015). Collection method: clinical testing. Allele origin: germline.
Comment: In summary, the available evidence is currently insufficient to determine the role of this variant in disease. Therefore, it has been classified as a Variant of Uncertain Significance. Advanced modeling of protein sequence and biophysical properties (such as structural, functional, and spatial information, amino acid conservation, physicochemical variation, residue mobility, and thermodynamic stability) performed at Invitae indicates that this missense variant is expected to disrupt BMPR1A protein function. This variant has not been reported in the literature in individuals affected with BMPR1A-related conditions. This variant is not present in population databases (gnomAD no frequency). This sequence change replaces threonine, which is neutral and polar, with proline, which is neutral and non-polar, at codon 404 of the BMPR1A protein (p.Thr404Pro).

NM_004329.3(BMPR1A):c.1210A>C (p.Thr404Pro)

Gene: BMPR1A (bone morphogenetic protein receptor type 1A; plus strand). Cytogenetic location: 10q23.2.
Variant type: single nucleotide variant.
Coding change: c.1210A>C on transcript NM_004329.3 (MANE Select); coding-DNA position 1210, A replaced by C.
Protein change: p.Thr404Pro; replaces threonine 404 with proline.
Molecular consequence: missense variant.
Genome position (GRCh38, 1-based): chr10:86,921,563, A>C. VCF-style: chr10-86921563-A-C. GRCh37 (hg19) VCF-style: chr10-88681320-A-C.
Other names: c.1285A>C, p.Thr429Pro (NM_001406559.1); c.1258A>C, p.Thr420Pro (NM_001406560.1); c.1210A>C, p.Thr404Pro (NM_001406561.1, NM_001406562.1, NM_001406563.1 and 19 more transcripts); c.1204A>C, p.Thr402Pro (NM_001406583.1); c.1126A>C, p.Thr376Pro (NM_001406584.1, NM_001406585.1, NM_001406586.1 and 2 more transcripts); c.868A>C, p.Thr290Pro (NM_001406589.1); short protein forms T404P, T290P, T402P, T429P, T376P, T420P.
Identifiers: ClinVar variation 2010748 (VCV002010748.6), dbSNP rs2539636125, ClinGen allele CA377461959.
Genomic context (GRCh38, chr10:86,921,563, plus strand): 5'-GCTTTCTTTTGTTTCAGTGACACAAATGAAGTTGATGTGCCCTTGAATACCAGGGTGGGC[A>C]CCAAACGCTACATGGCTCCCGAAGTGCTGGACGAAAGCCTGAACAAAAACCACTTCCAGC-3'
Protein context (NP_004320.2, residues 394-414): VDVPLNTRVG[Thr404Pro]KRYMAPEVLD